The following is an entry in ClinVar:

ClinVar aggregate classification (germline): Uncertain significance (1 of 4 stars; one submission).

Conditions:
Cardiomyopathy (CMYO). Also called: Cardiomyopathies. Identifiers: Orphanet 167848, MedGen C0878544, MONDO:0004994, HP:0001638. Inheritance: Various modes of inheritance.

gnomAD v4.1: 1 of 1,613,442 alleles (0.000062%); no homozygotes.

Submission:

Color Diagnostics, LLC DBA Color Health
Classification: Uncertain significance for Cardiomyopathy. Last evaluated: 2019-09-23. Review status: criteria provided, single submitter. Criteria: ACMG Guidelines, 2015. Collection method: clinical testing. Allele origin: germline.
Comment: This variant causes an A>C nucleotide substitution at the -2 position of intron 2 of the RYR2 gene. Splice site prediction tools suggest that this variant may impact RNA splicing. To our knowledge, functional studies have not been performed for this variant. This variant has not been reported in individuals affected with cardiovascular disorders in the literature. This variant has not been identified in the general population by the Genome Aggregation Database (gnomAD). Clinical significance of loss-of-function RYR2 truncation and splice variants is not clearly established. The available evidence is insufficient to determine the role of this variant in disease conclusively. Therefore, this variant is classified as a Variant of Uncertain Significance.

NM_001035.3(RYR2):c.169-2A>C

Gene: RYR2 (ryanodine receptor 2; plus strand). Cytogenetic location: 1q43.
Variant type: single nucleotide variant.
Coding change: c.169-2A>C on transcript NM_001035.3 (MANE Select); the canonical splice acceptor site of the intron before coding-DNA position 169, A replaced by C.
Molecular consequence: splice acceptor variant.
Genome position (GRCh38, 1-based): chr1:237,330,876, A>C. VCF-style: chr1-237330876-A-C. GRCh37 (hg19) VCF-style: chr1-237494176-A-C.
Identifiers: ClinVar variation 924539 (VCV000924539.3), dbSNP rs1696639875, ClinGen allele CA345654531.